The following is an entry in ClinVar:

NM_033641.4(COL4A6):c.3373C>T (p.Pro1125Ser)

Gene: COL4A6 (collagen type IV alpha 6 chain; minus strand). Cytogenetic location: Xq22.3.
Variant type: single nucleotide variant.
Coding change: c.3373C>T on transcript NM_033641.4 (MANE Select); coding-DNA position 3373, C replaced by T.
Protein change: p.Pro1125Ser; replaces proline 1125 with serine.
Molecular consequence: missense variant.
Genome position (GRCh38, 1-based): chrX:108,170,822, G>A on the plus strand (C>T on the coding strand, the complement: COL4A6 is on the minus strand). VCF-style: chrX-108170822-G-A. GRCh37 (hg19) VCF-style: chrX-107414052-G-A.
Other names: c.3424C>T, p.Pro1142Ser (NM_001287758.2); c.3373C>T, p.Pro1125Ser (NM_001287759.2, NM_001287760.2); c.3376C>T, p.Pro1126Ser (NM_001847.4); short protein forms P1126S, P1125S, P1142S.
Identifiers: ClinVar variation 258273 (VCV000258273.13), dbSNP rs35179844, ClinGen allele CA10487439.

ClinVar aggregate classification (germline): Benign/Likely benign. Review status: criteria provided, multiple submitters, no conflicts (2 of 4 stars). 7 submissions from 7 submitters: Benign (6); Likely benign (1). Last evaluated 2026-01-27.

Conditions:
Hearing loss, X-linked 6. Also called: Deafness, X-linked 6. Identifiers: Orphanet 90625, MedGen C3806737, MONDO:0010484, OMIM 300914.

Allele frequency attached by ClinVar (database versions not stated): gnomAD exomes 0.00355 and 0.01047; ExAC 0.01294; 1000 Genomes Project 0.03444; gnomAD 0.03488 and 0.03732; 1000 Genomes Project 30x 0.03684; TOPMed 0.03999; ESP Exome Variant Server 0.04402.
gnomAD v4.1: 8,018 of 1,210,551 alleles (0.66%); highest among the groups gnomAD compares: African/African-American, 12%; 317 homozygotes.

Submissions (7):

Labcorp Genetics (formerly Invitae), Labcorp
Classification: Benign. Last evaluated: 2026-01-27. Review status: criteria provided, single submitter. Criteria: Invitae Variant Classification Sherloc (09022015). Collection method: clinical testing. Allele origin: germline.

Blueprint Genetics
Classification: Likely benign. Last evaluated: 2024-11-13. Review status: criteria provided, single submitter. Criteria: ACMG Guidelines, 2015. Collection method: clinical testing. Allele origin: germline.

Genome-Nilou Lab
Classification: Benign for Hearing loss, X-linked 6. Last evaluated: 2022-03-15. Review status: criteria provided, single submitter. Criteria: ACMG Guidelines, 2015. Collection method: clinical testing. Allele origin: germline. Affected: no.

Athena Diagnostics
Classification: Benign. Last evaluated: 2018-05-23. Review status: criteria provided, single submitter. Criteria: Athena Diagnostics Criteria. Collection method: clinical testing. Allele origin: germline.

GeneDx
Classification: Benign. Last evaluated: 2018-01-08. Review status: criteria provided, single submitter. Criteria: GeneDx Variant Classification (06012015). Collection method: clinical testing. Allele origin: germline. Affected: yes.
Comment: This variant is considered likely benign or benign based on one or more of the following criteria: it is a conservative change, it occurs at a poorly conserved position in the protein, it is predicted to be benign by multiple in silico algorithms, and/or has population frequency not consistent with disease.

Breakthrough Genomics
Classification: Benign. Review status: criteria provided, single submitter. Criteria: ACMG Guidelines, 2015. Collection method: not provided. Allele origin: germline. Inheritance: X-linked inheritance. Affected: yes.

PreventionGenetics, part of Exact Sciences
Classification: Benign. Review status: criteria provided, single submitter. Criteria: ACMG Guidelines, 2015. Collection method: clinical testing. Allele origin: germline.